The following is an entry in ClinVar:

NM_000321.3(RB1):c.137+1G>C

Gene: RB1 (RB transcriptional corepressor 1; plus strand). Cytogenetic location: 13q14.2.
Variant type: single nucleotide variant.
Coding change: c.137+1G>C on transcript NM_000321.3 (MANE Select); the canonical splice donor site of the intron after coding-DNA position 137, G replaced by C.
Molecular consequence: splice donor variant.
Genome position (GRCh38, 1-based): chr13:48,304,050, G>C. VCF-style: chr13-48304050-G-C. GRCh37 (hg19) VCF-style: chr13-48878186-G-C.
Other names: c.137+1G>C (NM_001407165.1, NM_001407166.1, NM_001407167.1).
Identifiers: ClinVar variation 3237042 (VCV003237042.3), dbSNP rs1131690855.
Genomic context (GRCh38, chr13:48,304,050, plus strand): 5'-GCCCCCTCCTGAGGAGGACCCAGAGCAGGACAGCGGCCCGGAGGACCTGCCTCTCGTCAG[G>C]TGAGCGAGCAGAGCCGCCGTCGCCTCACGCGGGAAGGGCGCCCCGGGTGTGCGTAGGGCG-3'

ClinVar aggregate classification (germline): Pathogenic. Review status: criteria provided, multiple submitters, no conflicts (2 of 4 stars). 2 submissions from 2 submitters: Pathogenic (2). Last evaluated 2024-09-01.

Conditions:
Retinoblastoma (RB1). Also called: RETINOBLASTOMA, SOMATIC. Identifiers: Orphanet 790, MedGen C0035335, MeSH D012175, MONDO:0008380, OMIM 180200, HP:0009919. Disease mechanism: loss of function. Inheritance: Both sporadic and heritable forms are tested..

Submissions (2):

Labcorp Genetics (formerly Invitae), Labcorp
Classification: Pathogenic for Retinoblastoma. Last evaluated: 2024-09-01. Review status: criteria provided, single submitter. Criteria: Invitae Variant Classification Sherloc (09022015). Collection method: clinical testing. Allele origin: germline.
Comment: This sequence change affects a donor splice site in intron 1 of the RB1 gene. It is expected to disrupt RNA splicing. Variants that disrupt the donor or acceptor splice site typically lead to a loss of protein function (PMID: 16199547), and loss-of-function variants in RB1 are known to be pathogenic (PMID: 17096365). This variant is not present in population databases (gnomAD no frequency). Disruption of this splice site has been observed in individual(s) with bilateral retinoblastoma and/or osteosarcoma (PMID: 15776430, 16463005). Algorithms developed to predict the effect of sequence changes on RNA splicing suggest that this variant may disrupt the consensus splice site. For these reasons, this variant has been classified as Pathogenic.

Genetic Diagnostic Laboratory, University of Pennsylvania School of Medicine
Classification: Pathogenic for Retinoblastoma. Last evaluated: 2024-05-20. Review status: criteria provided, single submitter. Criteria: ACMG Guidelines, 2015. Collection method: clinical testing. Allele origin: germline. Affected: yes. Observed: 1 variant allele.
Comment: Case and Pedigree Information: BILATERAL CASES:1, UNILATERAL CASES:0, TOTAL CASES:1, PEDIGREES:1. ACMG Codes Applied:PVS1, PM2

Literature cited by the submitters: PubMed 16199547 (cited by Labcorp Genetics (formerly Invitae), Labcorp); PubMed 17096365 (cited by Labcorp Genetics (formerly Invitae), Labcorp); PubMed 15776430 (cited by Labcorp Genetics (formerly Invitae), Labcorp); PubMed 16463005 (cited by Labcorp Genetics (formerly Invitae), Labcorp).